The following is an entry in ClinVar:

NC_000011.9:g.(?_63426213)_(63438807_?)dup

Gene: ATL3 (atlastin GTPase 3; minus strand). Cytogenetic location: 11q13.1.
Variant type: Duplication.
Identifiers: ClinVar variation 2426154 (VCV002426154.4).

ClinVar aggregate classification (germline): Uncertain significance (1 of 4 stars; one submission).

Conditions:
Neuropathy, hereditary sensory, type 1F. Also called: HSN IF; Hereditary sensory neuropathy type IF. Identifiers: Orphanet 36386, MedGen C3810194, MONDO:0014286, OMIM 615632.

Submission:

Labcorp Genetics (formerly Invitae), Labcorp
Classification: Uncertain significance for Neuropathy, hereditary sensory, type 1F. Last evaluated: 2022-02-01. Review status: criteria provided, single submitter. Criteria: Invitae Variant Classification Sherloc (09022015). Collection method: clinical testing. Allele origin: germline.
Comment: In summary, the available evidence is currently insufficient to determine the role of this variant in disease. Therefore, it has been classified as a Variant of Uncertain Significance. This variant has not been reported in the literature in individuals affected with ATL3-related conditions. This variant results in a copy number gain of the genomic region encompassing exon(s) 1-3 of the ATL3 gene. This region includes the initiator codon of the gene. This copy number gain extends beyond the assayed region for this gene and therefore may encompass additional genes. As the precise location of this event is unknown, it may be in tandem or it may be located elsewhere in the genome.